The following is an entry in ClinVar:

ClinVar aggregate classification (germline): Uncertain significance (1 of 4 stars; one submission).

Conditions:
Costello syndrome (CSTLO). Also called: FACIOCUTANEOSKELETAL SYNDROME; FCS SYNDROME; HRAS-Related Costello Syndrome. Identifiers: Orphanet 3071, MedGen C0587248, MONDO:0009026, OMIM 218040.

Submission:

OLLIN Analises Genomicas, OLLIN
Classification: Uncertain significance for Costello syndrome. Last evaluated: 2026-08-06. Review status: criteria provided, single submitter. Criteria: ACMG Guidelines 2015 PMID 25741868. Collection method: clinical testing. Allele origin: germline.
Comment: This missense variant, located in exon 4 (of 6), is absent from gnomAD and ClinVar and has not been identified in the literature. In silico analysis predicts that this variant has a deleterious effect. According to the currently available evidence, this variant has been classified as uncertain significance (PM2_P, PP3).

NM_005343.4(HRAS):c.328C>T (p.Pro110Ser)

Genes: HRAS (HRas proto-oncogene, GTPase; minus strand), LRRC56 (leucine rich repeat containing 56; plus strand). Cytogenetic location: 11p15.5.
Variant type: single nucleotide variant.
Coding change: c.328C>T on transcript NM_005343.4 (MANE Select); coding-DNA position 328, C replaced by T.
Protein change: p.Pro110Ser; replaces proline 110 with serine.
Molecular consequence: missense variant. On other transcripts: synonymous variant (1), intron variant (2).
Genome position (GRCh38, 1-based): chr11:533,575, G>A on the plus strand (C>T on the coding strand, the complement: HRAS is on the minus strand). VCF-style: chr11-533575-G-A. GRCh37 (hg19) VCF-style: chr11-533575-G-A.
Other names: c.328C>T, p.Pro110Ser (NM_001130442.3, NM_176795.5); c.9C>T, p.Cys3= (NM_001318054.2); c.-162+5238G>A (NM_001441284.1, NM_001441286.1); short protein forms P110S.
Identifiers: ClinVar variation 5002898 (VCV005002898.1).